The following is an entry in ClinVar:

NM_001105206.3(LAMA4):c.2494-209dup

Gene: LAMA4 (laminin subunit alpha 4; minus strand). Cytogenetic location: 6q21.
Variant type: Duplication.
Coding change: c.2494-209dup on transcript NM_001105206.3 (MANE Select); 209 bases into the intron before coding-DNA position 2494, one base duplicated (T; older notation c.2494-209dupT).
Molecular consequence: intron variant.
Genome position (GRCh38, 1-based): chr6:112,142,493, A duplicated on the plus strand (T on the coding strand, the reverse complement: LAMA4 is on the minus strand); the first of 9 consecutive A bases (chr6:112,142,493-112,142,501); duplicating any one gives the same sequence. VCF-style (leftmost placement, unchanged base first): chr6-112142492-C-CA. GRCh37 (hg19) VCF-style: chr6-112463694-C-CA.
Other names: c.2473-209dup (NM_002290.5, NM_001105207.3).
Identifiers: ClinVar variation 673045 (VCV000673045.1), dbSNP rs34291448, ClinGen allele CA144895419.

ClinVar aggregate classification (germline): Benign (1 of 4 stars; one submission).

Submission:

GeneDx
Classification: Benign. Last evaluated: 2018-06-15. Review status: criteria provided, single submitter. Criteria: GeneDx Variant Classification (06012015). Collection method: clinical testing. Allele origin: germline. Affected: yes.
Comment: This variant is considered likely benign or benign based on one or more of the following criteria: it is a conservative change, it occurs at a poorly conserved position in the protein, it is predicted to be benign by multiple in silico algorithms, and/or has population frequency not consistent with disease.